The following is an entry in ClinVar:

ClinVar aggregate classification (germline): Uncertain significance (1 of 4 stars; one submission).

Allele frequency attached by ClinVar (database versions not stated): gnomAD 0.00001 and 0.00002; TOPMed 0.00001.

Submission:

GeneDx
Classification: Uncertain significance. Last evaluated: 2017-03-07. Review status: criteria provided, single submitter. Criteria: GeneDx Variant Classification (06012015). Collection method: clinical testing. Allele origin: germline. Affected: yes.
Comment: This variant is denoted POLD1 c.-23C>T, and describes a nucleotide substitution 23 base pairs upstream of the POLD1 ATG translational start site in the 5' untranslated region (UTR). The surrounding sequence, with the base that is substituted in braces, is GTGG[C/T]GGGA. This variant has not, to our knowledge, been reported in the literature as pathogenic or benign. This variant does not appear to affect the start codon or the Kozak translational consensus sequence. This variant was not observed in approximately 6,500 individuals of European and African American ancestry in the NHLBI Exome Sequencing Project, suggesting it is not a common benign variant in these populations. The cytosine (C) nucleotide that is altered is conserved across species. At this time, we consider POLD1 c.-23C>T to be a variant of uncertain significance.

NM_002691.4(POLD1):c.-23C>T

Gene: POLD1 (DNA polymerase delta 1, catalytic subunit; plus strand). Cytogenetic location: 19q13.33.
Variant type: single nucleotide variant.
Coding change: c.-23C>T on transcript NM_002691.4 (MANE Select); 23 bases upstream of the start codon, C replaced by T.
Molecular consequence: 5 prime UTR variant. On other transcripts: non-coding transcript variant (1).
Genome position (GRCh38, 1-based): chr19:50,384,369, C>T. VCF-style: chr19-50384369-C-T. GRCh37 (hg19) VCF-style: chr19-50887626-C-T.
Other names: c.-26C>T (NM_001256849.1).
Identifiers: ClinVar variation 420522 (VCV000420522.2), dbSNP rs957961260, ClinGen allele CA16620881.